The following is an entry in ClinVar:

NM_017617.5(NOTCH1):c.2724C>T (p.Ile908=)

Gene: NOTCH1 (notch receptor 1; minus strand). Cytogenetic location: 9q34.3.
Variant type: single nucleotide variant.
Coding change: c.2724C>T on transcript NM_017617.5 (MANE Select); coding-DNA position 2724, C replaced by T.
Protein change: p.Ile908=; no amino-acid change (isoleucine 908 retained).
Molecular consequence: synonymous variant.
Genome position (GRCh38, 1-based): chr9:136,510,669, G>A on the plus strand (C>T on the coding strand, the complement: NOTCH1 is on the minus strand). VCF-style: chr9-136510669-G-A. GRCh37 (hg19) VCF-style: chr9-139405121-G-A.
Other names: c.2724C>T, p.Ile908= (LRG_1122t1).
Identifiers: ClinVar variation 241129 (VCV000241129.22), dbSNP rs61751547, ClinGen allele CA5341194.

ClinVar aggregate classification (germline): Likely benign. Review status: criteria provided, multiple submitters, no conflicts (2 of 4 stars). 7 submissions from 6 submitters: Likely benign (7). Last evaluated 2026-08-01.

Conditions:
Adams-Oliver syndrome 5 (AOS5). Identifiers: Orphanet 974, MedGen C4014970, MONDO:0014459, OMIM 616028.
Familial thoracic aortic aneurysm and aortic dissection (TAAD). Also called: Thoracic aortic aneurysms and dissections. Identifiers: Orphanet 91387, MedGen C4707243, MONDO:0019625.
Aortic valve disease 1 (AOVD1). Identifiers: MedGen C3887892, MONDO:0024523, OMIM 109730.

Allele frequency attached by ClinVar (database versions not stated): ExAC 0.00006; gnomAD 0.00008 and 0.00009; TOPMed 0.00010.
gnomAD v4.1: 290 of 1,607,952 alleles (0.018%); highest among the groups gnomAD compares: Middle Eastern, 0.034%; 1 homozygote.

Submissions (7):

CeGaT Center for Human Genetics Tuebingen
Classification: Likely benign. Last evaluated: 2026-08-01. Review status: criteria provided, single submitter. Criteria: CeGaT Center For Human Genetics Tuebingen Variant Classification Criteria Version 2. Collection method: clinical testing. Allele origin: germline. Affected: yes. Observed: 2 variant alleles.
Comment: NOTCH1: BP4, BP7

Labcorp Genetics (formerly Invitae), Labcorp
Classification: Likely benign for Adams-Oliver syndrome 5. Last evaluated: 2026-01-09. Review status: criteria provided, single submitter. Criteria: Invitae Variant Classification Sherloc (09022015). Collection method: clinical testing. Allele origin: germline.

Blueprint Genetics
Classification: Likely benign. Last evaluated: 2024-08-14. Review status: criteria provided, single submitter. Criteria: ACMG Guidelines, 2015. Collection method: clinical testing. Allele origin: germline.

Genome-Nilou Lab
Classification: Likely benign for Adams-Oliver syndrome 5. Last evaluated: 2022-03-15. Review status: criteria provided, single submitter. Criteria: ACMG Guidelines, 2015. Collection method: clinical testing. Allele origin: germline. Affected: no.

Genome-Nilou Lab
Classification: Likely benign for Aortic valve disease 1. Last evaluated: 2022-03-15. Review status: criteria provided, single submitter. Criteria: ACMG Guidelines, 2015. Collection method: clinical testing. Allele origin: germline. Affected: no.

GeneDx
Classification: Likely benign. Last evaluated: 2020-05-18. Review status: criteria provided, single submitter. Criteria: GeneDx Variant Classification Process June 2021. Collection method: clinical testing. Allele origin: germline. Affected: yes.

Ambry Genetics
Classification: Likely benign for Familial thoracic aortic aneurysm and aortic dissection. Last evaluated: 2019-08-23. Review status: criteria provided, single submitter. Criteria: Ambry Variant Classification Scheme 2023. Collection method: clinical testing. Allele origin: germline.